The following is an entry in ClinVar:

NM_206933.4(USH2A):c.2431_2432del (p.Lys811fs)

Genes: USH2A (usherin; minus strand), LOC122152296 (Sharpr-MPRA regulatory region 8762; plus strand). Cytogenetic location: 1q41.
Variant type: Deletion.
Coding change: c.2431_2432del on transcript NM_206933.4 (MANE Select); coding-DNA positions 2431 to 2432, 2 bases deleted (AA; older notation c.2431_2432delAA).
Protein change: p.Lys811fs; shifts the reading frame from lysine 811.
Molecular consequence: frameshift variant.
Genome position (GRCh38, 1-based): chr1:216,246,962-216,246,963, TT deleted on the plus strand (AA on the coding strand, the reverse complement: USH2A is on the minus strand). VCF-style (leftmost placement, unchanged base first): chr1-216246961-CTT-C. GRCh37 (hg19) VCF-style: chr1-216420303-CTT-C.
Other names: c.2431_2432del, p.Lys811fs (NM_007123.6); short protein forms K811fs.
Identifiers: ClinVar variation 1213940 (VCV001213940.5), dbSNP rs2102545818, ClinGen allele CA2499214517.

ClinVar aggregate classification (germline): Pathogenic/Likely pathogenic. Review status: criteria provided, multiple submitters, no conflicts (2 of 4 stars). 5 submissions from 4 submitters: Pathogenic (2); Likely pathogenic (3). Last evaluated 2026-07-15.

Conditions:
Usher syndrome type 2A. Also called: RETINAL DISEASE IN USHER SYNDROME TYPE IIA, MODIFIER OF; USHER SYNDROME, TYPE IIA. Identifiers: Orphanet 231178, Orphanet 886, MedGen C1848634, MONDO:0010169, OMIM 276901.
Retinitis pigmentosa 39 (RP39). Identifiers: Orphanet 791, MedGen C3151138, MONDO:0013436, OMIM 613809.
USH2A-related disorder. Also called: USH2A-related condition; USH2A-related disorders. Identifiers: MedGen CN239332.

Submissions (5):

Myriad Genetics, Inc.
Classification: Pathogenic for USH2A-related disorder. Last evaluated: 2026-07-15. Review status: criteria provided, single submitter. Criteria: Myriad Autosomal Dominant, Autosomal Recessive and X-Linked Classification Criteria (2023). Collection method: clinical testing. Allele origin: unknown.
Comment: NM_206933.2(USH2A):c.2431_2432delAA(K811Dfs*11) is a frameshift variant classified as pathogenic in the context of USH2A-related disorders. K811Dfs*11 has been observed in cases with relevant disease (PMID: 19683999, 41011072, 22563300, 12112664, 33297549, 16098008, 39629117, 14970843, 25375654, 30902645). Relevant functional assessments of this variant are not available in the literature. K811Dfs*11 has not been observed in referenced population frequency databases. In summary, NM_206933.2(USH2A):c.2431_2432delAA(K811Dfs*11) is a frameshift variant in a gene where loss of function is a known mechanism of disease, is predicted to disrupt protein function, and has been observed more frequently in cases with the relevant disease than in healthy populations. Please note: this variant was assessed in the context of healthy population screening.

Genome-Nilou Lab
Classification: Likely pathogenic for Retinitis pigmentosa 39. Last evaluated: 2023-11-04. Review status: criteria provided, single submitter. Criteria: ACMG Guidelines, 2015. Collection method: clinical testing. Allele origin: germline. Affected: no.

Genome-Nilou Lab
Classification: Likely pathogenic for Usher syndrome type 2A. Last evaluated: 2023-11-04. Review status: criteria provided, single submitter. Criteria: ACMG Guidelines, 2015. Collection method: clinical testing. Allele origin: germline. Affected: no.

Fulgent Genetics
Classification: Pathogenic for Usher syndrome type 2A; Retinitis pigmentosa 39. Last evaluated: 2021-09-13. Review status: criteria provided, single submitter. Criteria: ACMG Guidelines, 2015. Collection method: clinical testing. Allele origin: unknown.

DBGen Ocular Genomics
Classification: Likely pathogenic for Usher syndrome type 2A. Last evaluated: 2021-06-23. Review status: criteria provided, single submitter. Criteria: ACMG Guidelines, 2015. Collection method: clinical testing. Allele origin: germline. Affected: yes. Observed: 1 variant allele.

Literature cited by the submitters: PubMed 12112664 (cited by Myriad Genetics, Inc.); PubMed 14970843 (cited by Myriad Genetics, Inc.); PubMed 16098008 (cited by Myriad Genetics, Inc.); PubMed 19683999 (cited by Myriad Genetics, Inc.); PubMed 22563300 (cited by Myriad Genetics, Inc.); PubMed 25375654 (cited by Myriad Genetics, Inc.); PubMed 30902645 (cited by Myriad Genetics, Inc.); PubMed 33297549 (cited by Myriad Genetics, Inc.); PubMed 39629117 (cited by Myriad Genetics, Inc.); PubMed 41011072 (cited by Myriad Genetics, Inc.).